The following is an entry in ClinVar:

NM_018055.5(NODAL):c.280C>T (p.Arg94Trp)

Gene: NODAL (nodal growth differentiation factor; minus strand). Cytogenetic location: 10q22.1.
Variant type: single nucleotide variant.
Coding change: c.280C>T on transcript NM_018055.5 (MANE Select); coding-DNA position 280, C replaced by T.
Protein change: p.Arg94Trp; replaces arginine 94 with tryptophan.
Molecular consequence: missense variant. On other transcripts: 5 prime UTR variant (1).
Genome position (GRCh38, 1-based): chr10:70,435,897, G>A on the plus strand (C>T on the coding strand, the complement: NODAL is on the minus strand). VCF-style: chr10-70435897-G-A. GRCh37 (hg19) VCF-style: chr10-72195653-G-A.
Other names: c.-120C>T (NM_001329906.2); short protein forms R94W.
Identifiers: ClinVar variation 300308 (VCV000300308.6), dbSNP rs778607015, ClinGen allele CA5537632.

ClinVar aggregate classification (germline): Uncertain significance. Review status: criteria provided, multiple submitters, no conflicts (2 of 4 stars). 3 submissions from 2 submitters: Uncertain significance (3). Last evaluated 2025-03-18.

Conditions:
Holoprosencephaly sequence (HPE). Also called: Holoprosencephaly. Identifiers: Orphanet 2162, MedGen C0079541, MONDO:0016296, HP:0001360.
Heterotaxy, visceral, 5, autosomal (HTX5). Also called: Heterotaxy, visceral, 5. Identifiers: Orphanet 450, MedGen C3495537, MONDO:0700112, OMIM 270100.

Allele frequency attached by ClinVar (database versions not stated): gnomAD 0.00001; TOPMed 0.00001; ExAC 0.00002; gnomAD exomes 0.00002.
gnomAD v4.1: 26 of 1,614,024 alleles (0.0016%); highest among the groups gnomAD compares: Admixed American, 0.005%; no homozygotes.

Submissions (3):

Labcorp Genetics (formerly Invitae), Labcorp
Classification: Uncertain significance for Heterotaxy, visceral, 5, autosomal. Last evaluated: 2025-03-18. Review status: criteria provided, single submitter. Criteria: Invitae Variant Classification Sherloc (09022015). Collection method: clinical testing. Allele origin: germline.
Comment: This sequence change replaces arginine, which is basic and polar, with tryptophan, which is neutral and slightly polar, at codon 94 of the NODAL protein (p.Arg94Trp). This variant is present in population databases (rs778607015, gnomAD 0.006%). This variant has not been reported in the literature in individuals affected with NODAL-related conditions. ClinVar contains an entry for this variant (Variation ID: 300308). Invitae Evidence Modeling of protein sequence and biophysical properties (such as structural, functional, and spatial information, amino acid conservation, physicochemical variation, residue mobility, and thermodynamic stability) indicates that this missense variant is not expected to disrupt NODAL protein function with a negative predictive value of 80%. In summary, the available evidence is currently insufficient to determine the role of this variant in disease. Therefore, it has been classified as a Variant of Uncertain Significance.

Illumina Laboratory Services, Illumina
Classification: Uncertain significance for Heterotaxy, visceral, 5, autosomal. Last evaluated: 2018-01-13. Review status: criteria provided, single submitter. Criteria: ICSL Variant Classification Criteria 13 December 2019. Collection method: clinical testing. Allele origin: germline.

Illumina Laboratory Services, Illumina
Classification: Uncertain significance for Holoprosencephaly sequence. Last evaluated: 2018-01-13. Review status: criteria provided, single submitter. Criteria: ICSL Variant Classification Criteria 13 December 2019. Collection method: clinical testing. Allele origin: germline.